The following is an entry in ClinVar:

ClinVar aggregate classification (germline): Benign/Likely benign. Review status: criteria provided, multiple submitters, no conflicts (2 of 4 stars). 8 submissions from 8 submitters: Benign (6); Likely benign (1). 1 of the submissions does not count toward it. Last evaluated 2026-02-03.

Conditions:
Fetal akinesia deformation sequence 1 (FADS1). Also called: Pena-Shokeir syndrome type I; Fetal akinesia sequence. Identifiers: Orphanet 994, MedGen C1276035, MONDO:0100101, OMIM 208150, HP:0001989.
Congenital myasthenic syndrome 9. Also called: Myasthenic syndrome, congenital, 9, associated with acetylcholine receptor deficiency. Identifiers: Orphanet 590, MedGen C4225368, MONDO:0014587, OMIM 616325.

Allele frequency attached by ClinVar (database versions not stated): TOPMed 0.09363; ESP Exome Variant Server 0.09469; 1000 Genomes Project 0.10683; 1000 Genomes Project 30x 0.11071.
gnomAD v4.1: 56,109 of 1,600,684 alleles (3.5%); highest among the groups gnomAD compares: African/African-American, 25%; 3,194 homozygotes.

Submissions (8):

Labcorp Genetics (formerly Invitae), Labcorp
Classification: Benign for Congenital myasthenic syndrome 9; Fetal akinesia deformation sequence 1. Last evaluated: 2026-02-03. Review status: criteria provided, single submitter. Criteria: Invitae Variant Classification Sherloc (09022015). Collection method: clinical testing. Allele origin: germline.

Blueprint Genetics
Classification: Likely benign. Last evaluated: 2024-11-27. Review status: criteria provided, single submitter. Criteria: ACMG Guidelines, 2015. Collection method: clinical testing. Allele origin: germline.

Illumina Laboratory Services, Illumina
Classification: Benign for Congenital myasthenic syndrome 9. Last evaluated: 2018-01-12. Review status: criteria provided, single submitter. Criteria: ICSL Variant Classification Criteria 13 December 2019. Collection method: clinical testing. Allele origin: germline.
Comment: This variant was observed in the ICSL laboratory as part of a predisposition screen in an ostensibly healthy population. It had not been previously curated by ICSL or reported in the Human Gene Mutation Database (HGMD: prior to June 1st, 2018), and was therefore a candidate for classification through an automated scoring system. Utilizing variant allele frequency, disease prevalence and penetrance estimates, and inheritance mode, an automated score was calculated to assess if this variant is too frequent to cause the disease. Based on the score and internal cut-off values, a variant classified as benign is not then subjected to further curation. The score for this variant resulted in a classification of benign for this disease.

Mayo Clinic Laboratories, Mayo Clinic
Classification: Benign. Last evaluated: 2017-07-25. Review status: criteria provided, single submitter. Criteria: ACMG Guidelines, 2015. Collection method: clinical testing. Allele origin: germline. Observed: 46 variant alleles.

GeneDx
Classification: Benign. Last evaluated: 2016-02-19. Review status: criteria provided, single submitter. Criteria: GeneDx Variant Classification (06012015). Collection method: clinical testing. Allele origin: germline. Affected: yes.
Comment: This variant is considered likely benign or benign based on one or more of the following criteria: it is a conservative change, it occurs at a poorly conserved position in the protein, it is predicted to be benign by multiple in silico algorithms, and/or has population frequency not consistent with disease.

PreventionGenetics, part of Exact Sciences
Classification: Benign. Last evaluated: 2016-01-29. Review status: criteria provided, single submitter. Criteria: ACMG Guidelines, 2015. Collection method: clinical testing. Allele origin: germline.

Breakthrough Genomics
Classification: Benign. Review status: criteria provided, single submitter. Criteria: ACMG Guidelines, 2015. Collection method: not provided. Allele origin: germline. Inheritance: Autosomal recessive inheritance. Affected: yes.

Genetic Services Laboratory, University of Chicago
Classification: Likely benign for AllHighlyPenetrant. Review status: no assertion criteria provided. Collection method: clinical testing. Allele origin: germline. Inheritance: Autosomal recessive inheritance. Not counted in ClinVar's aggregate classification.
Comment: Likely benign based on allele frequency in 1000 Genomes Project or ESP global frequency and its presence in a patient with a rare or unrelated disease phenotype. NOT Sanger confirmed.

NM_005592.4(MUSK):c.2485G>T (p.Val829Leu)

Gene: MUSK (muscle associated receptor tyrosine kinase; plus strand). Cytogenetic location: 9q31.3.
Variant type: single nucleotide variant.
Coding change: c.2485G>T on transcript NM_005592.4 (MANE Select); coding-DNA position 2485, G replaced by T.
Protein change: p.Val829Leu; replaces valine 829 with leucine.
Molecular consequence: missense variant.
Genome position (GRCh38, 1-based): chr9:110,800,863, G>T. VCF-style: chr9-110800863-G-T. GRCh37 (hg19) VCF-style: chr9-113563143-G-T.
Other names: c.2227G>T, p.Val743Leu (NM_001166280.2); c.2197G>T, p.Val733Leu (NM_001166281.2); c.1225G>T, p.Val409Leu (NM_001369398.1); short protein forms V829L, V409L, V733L, V743L.
Identifiers: ClinVar variation 129633 (VCV000129633.22), dbSNP rs578430, ClinGen allele CA153741.